The following is an entry in ClinVar:

NM_004104.5(FASN):c.894+4A>T

Gene: FASN (fatty acid synthase; minus strand). Cytogenetic location: 17q25.3.
Variant type: single nucleotide variant.
Coding change: c.894+4A>T on transcript NM_004104.5 (MANE Select); 4 bases into the intron after coding-DNA position 894, A replaced by T.
Molecular consequence: intron variant.
Genome position (GRCh38, 1-based): chr17:82,092,693, T>A on the plus strand (A>T on the coding strand, the complement: FASN is on the minus strand). VCF-style: chr17-82092693-T-A. GRCh37 (hg19) VCF-style: chr17-80050569-T-A.
Identifiers: ClinVar variation 3728011 (VCV003728011.2).

ClinVar aggregate classification (germline): Uncertain significance (1 of 4 stars; one submission).

Conditions:
Epileptic encephalopathy. Identifiers: MedGen C0543888, HP:0200134.

gnomAD v4.1: 44 of 1,412,680 alleles (0.0031%); highest among the groups gnomAD compares: Non-Finnish European, 0.0039%; no homozygotes.

Submission:

Labcorp Genetics (formerly Invitae), Labcorp
Classification: Uncertain significance for Epileptic encephalopathy. Last evaluated: 2024-12-24. Review status: criteria provided, single submitter. Criteria: Invitae Variant Classification Sherloc (09022015). Collection method: clinical testing. Allele origin: germline.
Comment: This sequence change falls in intron 7 of the FASN gene. It does not directly change the encoded amino acid sequence of the FASN protein. It affects a nucleotide within the consensus splice site. This variant is not present in population databases (gnomAD no frequency). This variant has not been reported in the literature in individuals affected with FASN-related conditions. Variants that disrupt the consensus splice site are a relatively common cause of aberrant splicing (PMID: 17576681, 9536098). Algorithms developed to predict the effect of sequence changes on RNA splicing suggest that this variant is not likely to affect RNA splicing. In summary, the available evidence is currently insufficient to determine the role of this variant in disease. Therefore, it has been classified as a Variant of Uncertain Significance.

Literature cited by the submitters: PubMed 17576681; PubMed 9536098.